The following is an entry in ClinVar:

NM_004714.3(DYRK1B):c.132G>A (p.Pro44=)

Gene: DYRK1B (dual specificity tyrosine phosphorylation regulated kinase 1B; minus strand). Cytogenetic location: 19q13.2.
Variant type: single nucleotide variant.
Coding change: c.132G>A on transcript NM_004714.3 (MANE Select); coding-DNA position 132, G replaced by A.
Protein change: p.Pro44=; no amino-acid change (proline 44 retained).
Molecular consequence: synonymous variant.
Genome position (GRCh38, 1-based): chr19:39,830,715, C>T on the plus strand (G>A on the coding strand, the complement: DYRK1B is on the minus strand). VCF-style: chr19-39830715-C-T. GRCh37 (hg19) VCF-style: chr19-40321355-C-T.
Other names: c.132G>A, p.Pro44= (NM_006483.3, NM_006484.3).
Identifiers: ClinVar variation 4979314 (VCV004979314.1).

ClinVar aggregate classification (germline): Likely benign (1 of 4 stars; one submission).

Conditions:
DYRK1B-related disorder. Also called: DYRK1B-related condition.

Submission:

PreventionGenetics, part of Exact Sciences
Classification: Likely benign for DYRK1B-related condition. Last evaluated: 2025-10-08. Review status: criteria provided, single submitter. Criteria: ACMG Guidelines, 2015. Collection method: clinical testing. Allele origin: germline.
Comment: This variant is classified as likely benign based on ACMG/AMP sequence variant interpretation guidelines (Richards et al. 2015 PMID: 25741868, with internal and published modifications).